The following is an entry in ClinVar:

NM_002878.4(RAD51D):c.576+18C>T

Genes: RAD51L3-RFFL (RAD51L3-RFFL readthrough; minus strand), RAD51D (RAD51 paralog D; minus strand). Cytogenetic location: 17q12.
Variant type: single nucleotide variant.
Coding change: c.576+18C>T on transcript NM_002878.4 (MANE Select); 18 bases into the intron after coding-DNA position 576, C replaced by T.
Molecular consequence: intron variant.
Genome position (GRCh38, 1-based): chr17:35,106,368, G>A on the plus strand (C>T on the coding strand, the complement: RAD51D is on the minus strand). VCF-style: chr17-35106368-G-A. GRCh37 (hg19) VCF-style: chr17-33433387-G-A.
Other names: c.240+18C>T (NM_133629.3); c.636+18C>T (NM_001142571.2).
Identifiers: ClinVar variation 378462 (VCV000378462.12), dbSNP rs752051995, ClinGen allele CA8499448.
Genomic context (GRCh38, chr17:35,106,368, plus strand): 5'-CTGTAGTAGGACACCTGCCCACAGAGATAGCACCTAGAAAGCTGAATTAAGCAAGGAGGG[G>A]CAGAACAGCAGGCTCACCTGCTGGGCCACAGTGCCTCGGAGCTCCTGCAGCACATCCAGC-3'

ClinVar aggregate classification (germline): Benign/Likely benign. Review status: criteria provided, multiple submitters, no conflicts (2 of 4 stars). 4 submissions from 4 submitters: Benign (1); Likely benign (3). Last evaluated 2026-01-16.

Conditions:
Hereditary cancer-predisposing syndrome. Also called: Tumor predisposition; Neoplastic Syndromes, Hereditary; Hereditary neoplastic syndrome; Hereditary Cancer Syndrome. Identifiers: Orphanet 140162, MedGen C0027672, MeSH D009386, MONDO:0015356.
Breast-ovarian cancer, familial, susceptibility to, 4. Identifiers: Orphanet 145, MedGen C3280345, MONDO:0013669, OMIM 614291.

Allele frequency attached by ClinVar (database versions not stated): gnomAD 0.00001; TOPMed 0.00001; gnomAD exomes 0.00003 and 0.00004; ExAC 0.00007.
gnomAD v4.1: 45 of 1,606,120 alleles (0.0028%); highest among the groups gnomAD compares: Middle Eastern, 0.049%; 1 homozygote.

Submissions (4):

Labcorp Genetics (formerly Invitae), Labcorp
Classification: Likely benign for Breast-ovarian cancer, familial, susceptibility to, 4. Last evaluated: 2026-01-16. Review status: criteria provided, single submitter. Criteria: Invitae Variant Classification Sherloc (09022015). Collection method: clinical testing. Allele origin: germline.

Blueprint Genetics
Classification: Likely benign. Last evaluated: 2024-10-25. Review status: criteria provided, single submitter. Criteria: ACMG Guidelines, 2015. Collection method: clinical testing. Allele origin: germline.

Color Diagnostics, LLC DBA Color Health
Classification: Likely benign for Hereditary cancer-predisposing syndrome. Last evaluated: 2016-08-15. Review status: criteria provided, single submitter. Criteria: ACMG Guidelines, 2015. Collection method: clinical testing. Allele origin: germline.

GeneDx
Classification: Benign. Last evaluated: 2015-04-02. Review status: criteria provided, single submitter. Criteria: GeneDx Variant Classification (06012015). Collection method: clinical testing. Allele origin: germline. Affected: yes.
Comment: This variant is considered likely benign or benign based on one or more of the following criteria: it is a conservative change, it occurs at a poorly conserved position in the protein, it is predicted to be benign by multiple in silico algorithms, and/or has population frequency not consistent with disease.